The following is an entry in ClinVar:

ClinVar aggregate classification (germline): Likely benign (0 of 4 stars; one submission).

Conditions:
SPEN-related disorder. Also called: SPEN-related condition.

Allele frequency attached by ClinVar (database versions not stated): TOPMed 0.00025; gnomAD 0.00026; ExAC 0.00027; ESP Exome Variant Server 0.00031.
gnomAD v4.1: 299 of 1,613,452 alleles (0.019%); highest among the groups gnomAD compares: Admixed American, 0.005%; 1 homozygote.

Submission:

PreventionGenetics, part of Exact Sciences
Classification: Likely benign for SPEN-related condition. Last evaluated: 2019-07-12. Review status: no assertion criteria provided. Collection method: clinical testing. Allele origin: germline.
Comment: This variant is classified as likely benign based on ACMG/AMP sequence variant interpretation guidelines (Richards et al. 2015 PMID: 25741868, with internal and published modifications).

NM_015001.3(SPEN):c.6416G>C (p.Ser2139Thr)

Gene: SPEN (spen family transcriptional repressor; plus strand). Cytogenetic location: 1p36.13.
Variant type: single nucleotide variant.
Coding change: c.6416G>C on transcript NM_015001.3 (MANE Select); coding-DNA position 6416, G replaced by C.
Protein change: p.Ser2139Thr; replaces serine 2139 with threonine.
Molecular consequence: missense variant.
Genome position (GRCh38, 1-based): chr1:15,932,656, G>C. VCF-style: chr1-15932656-G-C. GRCh37 (hg19) VCF-style: chr1-16259151-G-C.
Other names: short protein forms S2139T.
Identifiers: ClinVar variation 3050167 (VCV003050167.2), dbSNP rs199976515, ClinGen allele CA619918.